The following is an entry in ClinVar:

NM_032608.7(MYO18B):c.617C>T (p.Thr206Ile)

Gene: MYO18B (myosin XVIIIB; plus strand). Cytogenetic location: 22q12.1.
Variant type: single nucleotide variant.
Coding change: c.617C>T on transcript NM_032608.7 (MANE Select); coding-DNA position 617, C replaced by T.
Protein change: p.Thr206Ile; replaces threonine 206 with isoleucine.
Molecular consequence: missense variant.
Genome position (GRCh38, 1-based): chr22:25,768,533, C>T. VCF-style: chr22-25768533-C-T. GRCh37 (hg19) VCF-style: chr22-26164500-C-T.
Other names: c.617C>T, p.Thr206Ile (NM_001318245.2); short protein forms T206I.
Identifiers: ClinVar variation 1427902 (VCV001427902.6), dbSNP rs921479563, ClinGen allele CA322779069.

ClinVar aggregate classification (germline): Uncertain significance (1 of 4 stars; one submission).

Allele frequency attached by ClinVar (database versions not stated): gnomAD 0.00001; gnomAD exomes 0.00001.
gnomAD v4.1: 7 of 1,555,288 alleles (0.00045%); highest among the groups gnomAD compares: Non-Finnish European, 0.00043%; no homozygotes.

Submission:

Labcorp Genetics (formerly Invitae), Labcorp
Classification: Uncertain significance. Last evaluated: 2022-08-16. Review status: criteria provided, single submitter. Criteria: Invitae Variant Classification Sherloc (09022015). Collection method: clinical testing. Allele origin: germline.
Comment: In summary, the available evidence is currently insufficient to determine the role of this variant in disease. Therefore, it has been classified as a Variant of Uncertain Significance. Algorithms developed to predict the effect of missense changes on protein structure and function are either unavailable or do not agree on the potential impact of this missense change (SIFT: "Not Available"; PolyPhen-2: "Possibly Damaging"; Align-GVGD: "Not Available"). This sequence change replaces threonine, which is neutral and polar, with isoleucine, which is neutral and non-polar, at codon 206 of the MYO18B protein (p.Thr206Ile). This variant is present in population databases (no rsID available, gnomAD 0.007%). This variant has not been reported in the literature in individuals affected with MYO18B-related conditions. ClinVar contains an entry for this variant (Variation ID: 1427902).